The following is an entry in ClinVar:

NM_030813.6(CLPB):c.735C>T (p.Gly245=)

Gene: CLPB (ClpB family mitochondrial disaggregase; minus strand). Cytogenetic location: 11q13.4.
Variant type: single nucleotide variant.
Coding change: c.735C>T on transcript NM_030813.6 (MANE Plus Clinical); coding-DNA position 735, C replaced by T.
Protein change: p.Gly245=; no amino-acid change (glycine 245 retained).
Molecular consequence: synonymous variant. On other transcripts: intron variant (2).
Genome position (GRCh38, 1-based): chr11:72,372,926, G>A on the plus strand (C>T on the coding strand, the complement: CLPB is on the minus strand). VCF-style: chr11-72372926-G-A. GRCh37 (hg19) VCF-style: chr11-72083970-G-A.
Other names: c.600C>T, p.Gly200= (NM_001258394.3); c.559+7355C>T (NM_001258393.3); c.646+7355C>T (NM_001258392.3).
Identifiers: ClinVar variation 958520 (VCV000958520.11), dbSNP rs201151763, ClinGen allele CA6171465.

ClinVar aggregate classification (germline): Conflicting classifications of pathogenicity. Review status: criteria provided, conflicting classifications (1 of 4 stars). 2 submissions from 2 submitters: Uncertain significance (1); Likely benign (1). Last evaluated 2023-09-21.

Conditions:
3-methylglutaconic aciduria, type VIIB (MGCA7B). Also called: CLPB Deficiency; 3-methylglutaconic aciduria with cataracts, neurologic involvement and neutropenia; 3-methylglutaconic aciduria, type VII, with cataracts, neurologic involvement and neutropenia. Identifiers: Orphanet 445038, MedGen C5676893, MONDO:0014561, OMIM 616271.

Allele frequency attached by ClinVar (database versions not stated): gnomAD exomes 0.00002 and 0.00004; TOPMed 0.00003; ExAC 0.00005; gnomAD 0.00005 and 0.00006.
gnomAD v4.1: 65 of 1,613,232 alleles (0.004%); highest among the groups gnomAD compares: African/African-American, 0.015%; no homozygotes.

Submissions (2):

Blueprint Genetics
Classification: Likely benign. Last evaluated: 2023-09-21. Review status: criteria provided, single submitter. Criteria: ACMG Guidelines, 2015. Collection method: clinical testing. Allele origin: germline.

Labcorp Genetics (formerly Invitae), Labcorp
Classification: Uncertain significance for 3-methylglutaconic aciduria, type VIIB. Last evaluated: 2023-07-07. Review status: criteria provided, single submitter. Criteria: Invitae Variant Classification Sherloc (09022015). Collection method: clinical testing. Allele origin: germline.
Comment: This variant has not been reported in the literature in individuals affected with CLPB-related conditions. In summary, the available evidence is currently insufficient to determine the role of this variant in disease. Therefore, it has been classified as a Variant of Uncertain Significance. Algorithms developed to predict the effect of sequence changes on RNA splicing suggest that this variant may disrupt the consensus splice site. ClinVar contains an entry for this variant (Variation ID: 958520). This variant is present in population databases (rs201151763, gnomAD 0.03%). This sequence change affects codon 245 of the CLPB mRNA. It is a 'silent' change, meaning that it does not change the encoded amino acid sequence of the CLPB protein. It affects a nucleotide within the consensus splice site.